The following is an entry in ClinVar:

ClinVar aggregate classification (germline): Uncertain significance (1 of 4 stars; one submission).

Submission:

Women's Health and Genetics/Laboratory Corporation of America, LabCorp
Classification: Uncertain significance. Last evaluated: 2026-04-29. Review status: criteria provided, single submitter. Criteria: LabCorp Variant Classification Summary - May 2015. Collection method: clinical testing. Allele origin: germline.
Comment: Variant summary: The variant involves the duplication of exons 3-9 in the CYP11B1 gene. A presumed nomenclature of c.(395+1_396-1)_(*2017_?)dup has been designated for the purposes of this classification. The exact breakpoint at the 3' end of this variant is unknown, therefore this duplication may extend downstream of the annotated region of the gene. As it duplicates the termination codon, its effect on the encoded protein is unknown. The variant was absent in 21690 control chromosomes. The available data on variant occurrences in the general population are insufficient to allow any conclusion about variant significance. To our knowledge, no occurrence of c.(395+1_396-1)_(*2017_?)dup in individuals affected with CYP11B1-related conditions and no experimental evidence demonstrating its impact on protein function have been reported. No submitters have cited clinical-significance assessments for this variant to ClinVar. Based on the evidence outlined above, the variant was classified as uncertain significance.

NC_000008.10:g.(?_143953772)_(143958639_143960447)dup

Gene: CYP11B1 (cytochrome P450 family 11 subfamily B member 1; minus strand). Cytogenetic location: 8q24.3.
Variant type: Duplication.
Identifiers: ClinVar variation 4848470 (VCV004848470.1).